The following is an entry in ClinVar:

NM_001201550.3(CFHR4):c.1182A>G (p.Lys394=)

Gene: CFHR4 (complement factor H related 4; plus strand). Cytogenetic location: 1q31.3.
Variant type: single nucleotide variant.
Coding change: c.1182A>G on transcript NM_001201550.3 (MANE Select); coding-DNA position 1182, A replaced by G.
Protein change: p.Lys394=; no amino-acid change (lysine 394 retained).
Molecular consequence: synonymous variant.
Genome position (GRCh38, 1-based): chr1:196,914,496, A>G. VCF-style: chr1-196914496-A-G. GRCh37 (hg19) VCF-style: chr1-196883626-A-G.
Other names: p.Lys393=; c.1179A>G, p.Lys393= (NM_001201551.2); c.441A>G, p.Lys147= (NM_006684.5).
Identifiers: ClinVar variation 4684003 (VCV004684003.4).

ClinVar aggregate classification (germline): Benign/Likely benign. Review status: criteria provided, multiple submitters, no conflicts (2 of 4 stars). 3 submissions from 3 submitters: Benign (1); Likely benign (2). Last evaluated 2026-05-01.

gnomAD v4.1: 466 of 1,605,092 alleles (0.029%); highest among the groups gnomAD compares: African/African-American, 0.54%; 15 homozygotes.

Submissions (3):

CeGaT Center for Human Genetics Tuebingen
Classification: Likely benign. Last evaluated: 2026-05-01. Review status: criteria provided, single submitter. Criteria: CeGaT Center For Human Genetics Tuebingen Variant Classification Criteria Version 2. Collection method: clinical testing. Allele origin: germline. Affected: yes. Observed: 1 variant allele.
Comment: CFHR4: BP4, BP7, BS2

Women's Health and Genetics/Laboratory Corporation of America, LabCorp
Classification: Benign. Last evaluated: 2026-02-06. Review status: criteria provided, single submitter. Criteria: LabCorp Variant Classification Summary - May 2015. Collection method: clinical testing. Allele origin: germline.
Comment: Variant summary: CFHR4 c.1182A>G (p.Lys394Lys) alters a nucleotide located close to a canonical splice site and therefore could affect mRNA splicing, leading to a significantly altered protein sequence. Consensus agreement among computation tools predict no significant impact on normal splicing. However, these predictions have yet to be confirmed by functional studies. The variant allele was found at a frequency of 0.00038 in 243000 control chromosomes, predominantly at a frequency of 0.0048 within the African or African-American subpopulation in the gnomAD database, including 4 homozygotes. The observed variant frequency within African or African-American control individuals in the gnomAD database exceeds the estimated maximal expected allele frequency for disease-causing variants in CFHR4. To our knowledge, no occurrence of c.1182A>G in individuals affected with CFHR4-related conditions and no experimental evidence demonstrating its impact on protein function have been reported. No submitters have cited clinical-significance assessments for this variant to ClinVar. Based on the evidence outlined above, the variant was classified as benign.

Mayo Clinic Laboratories, Mayo Clinic
Classification: Likely benign. Last evaluated: 2025-11-19. Review status: criteria provided, single submitter. Criteria: ACMG Guidelines, 2015. Collection method: clinical testing. Allele origin: germline. Observed: 5 variant alleles.
Comment: BP4, BP7